The following is an entry in ClinVar:

ClinVar aggregate classification (germline): Uncertain significance (1 of 4 stars; one submission).

Conditions:
ADGRV1-related disorder. Also called: ADGRV1-related disorders; ADGRV1-related condition.

gnomAD v4.1: 22 of 1,609,626 alleles (0.0014%); highest among the groups gnomAD compares: East Asian, 0.025%; no homozygotes.

Submission:

PreventionGenetics, part of Exact Sciences
Classification: Uncertain significance for ADGRV1-related condition. Last evaluated: 2025-01-31. Review status: criteria provided, single submitter. Criteria: ACMG Guidelines, 2015. Collection method: clinical testing. Allele origin: germline.
Comment: The ADGRV1 c.18383A>G variant is predicted to result in the amino acid substitution p.Tyr6128Cys. To our knowledge, this variant has not been reported in the literature. This variant is reported in 0.0057% of alleles in individuals of East Asian descent in gnomAD. At this time, the clinical significance of this variant is uncertain due to the absence of conclusive functional and genetic evidence.

NM_032119.4(ADGRV1):c.18383A>G (p.Tyr6128Cys)

Gene: ADGRV1 (adhesion G protein-coupled receptor V1; plus strand). Cytogenetic location: 5q14.3.
Variant type: single nucleotide variant.
Coding change: c.18383A>G on transcript NM_032119.4 (MANE Select); coding-DNA position 18383, A replaced by G.
Protein change: p.Tyr6128Cys; replaces tyrosine 6128 with cysteine.
Molecular consequence: missense variant. On other transcripts: non-coding transcript variant (1).
Genome position (GRCh38, 1-based): chr5:91,102,291, A>G. VCF-style: chr5-91102291-A-G. GRCh37 (hg19) VCF-style: chr5-90398108-A-G.
Other names: short protein forms Y6128C.
Identifiers: ClinVar variation 4989979 (VCV004989979.1).
Genomic context (GRCh38, chr5:91,102,291, plus strand): 5'-TTTTATATCTCTTTGCTCTGATTTCCGTGACATGGCTTTGGGGAGGACTACACATGGCCT[A>G]CAGACACTTCTGGATGTTGGTTCTCTTTGTCATTTTCAACAGTCTGCAGGTAAGCCTTAC-3'
Protein context (NP_115495.3, residues 6118-6138): TWLWGGLHMA[Tyr6128Cys]RHFWMLVLFV